The following is an entry in ClinVar:

NC_000009.12:g.113275647C>G

Gene: PRPF4 (pre-mRNA splicing tri-snRNP complex factor PRPF4; plus strand). Cytogenetic location: 9q32.
Variant type: single nucleotide variant.
Genome position: GRCh38 VCF-style: chr9-113275647-C-G. GRCh37 (hg19) VCF-style: chr9-116037927-C-G.
Identifiers: ClinVar variation 3616612 (VCV003616612.2).
Genomic context (GRCh38, chr9:113,275,647, plus strand): 5'-TCCGCGCCGCTCCGGGGGCGGTGACCCCTCTTGGCCCACGTCTTGTCAGTGACGCACTTC[C>G]TGTCAGTGACGCACTTCCCCTCTGCTGGGCGCGCGGTGGACGGTCTGAAAGGGAGTGTTC-3'

ClinVar aggregate classification (germline): Uncertain significance (1 of 4 stars; one submission).

Submission:

Labcorp Genetics (formerly Invitae), Labcorp
Classification: Uncertain significance. Last evaluated: 2024-02-09. Review status: criteria provided, single submitter. Criteria: Invitae Variant Classification Sherloc (09022015). Collection method: clinical testing. Allele origin: germline.
Comment: This variant occurs in a non-coding region of the PRPF4 gene. It does not change the encoded amino acid sequence of the PRPF4 protein. This variant is not present in population databases (gnomAD no frequency). This variant has not been reported in the literature in individuals affected with PRPF4-related conditions. In summary, the available evidence is currently insufficient to determine the role of this variant in disease. Therefore, it has been classified as a Variant of Uncertain Significance.